The following is an entry in ClinVar:

ClinVar aggregate classification (germline): Likely benign (0 of 4 stars; one submission).

Conditions:
GLI2-related disorder. Also called: GLI2-related disorders; GLI2-related condition.

Allele frequency attached by ClinVar (database versions not stated): TOPMed 0.00001; ExAC 0.00002; gnomAD 0.00002.
gnomAD v4.1: 4 of 1,561,822 alleles (0.00026%); highest among the groups gnomAD compares: African/African-American, 0.0042%; no homozygotes.

Submission:

PreventionGenetics, part of Exact Sciences
Classification: Likely benign for GLI2-related condition. Last evaluated: 2022-09-22. Review status: no assertion criteria provided. Collection method: clinical testing. Allele origin: germline.
Comment: This variant is classified as likely benign based on ACMG/AMP sequence variant interpretation guidelines (Richards et al. 2015 PMID: 25741868, with internal and published modifications).

NM_001374353.1(GLI2):c.2508C>T (p.Asp836=)

Gene: GLI2 (GLI family zinc finger 2; plus strand). Cytogenetic location: 2q14.2.
Variant type: single nucleotide variant.
Coding change: c.2508C>T on transcript NM_001374353.1 (MANE Select); coding-DNA position 2508, C replaced by T.
Protein change: p.Asp836=; no amino-acid change (aspartic acid 836 retained).
Molecular consequence: synonymous variant.
Genome position (GRCh38, 1-based): chr2:120,988,473, C>T. VCF-style: chr2-120988473-C-T. GRCh37 (hg19) VCF-style: chr2-121746049-C-T.
Other names: c.2559C>T, p.Asp853= (NM_001371271.1, NM_005270.5); c.2133C>T, p.Asp711= (NM_001374354.1).
Identifiers: ClinVar variation 3058718 (VCV003058718.2), dbSNP rs754616098, ClinGen allele CA1852251.